The following is an entry in ClinVar:

ClinVar aggregate classification (germline): Uncertain significance (1 of 4 stars; one submission).

gnomAD v4.1: 2 of 1,613,916 alleles (0.00012%); highest among the groups gnomAD compares: Non-Finnish European, 0.00017%; no homozygotes.

Submission:

Ambry Genetics
Classification: Uncertain significance. Last evaluated: 2025-01-04. Review status: criteria provided, single submitter. Criteria: Ambry Variant Classification Scheme 2023. Collection method: clinical testing. Allele origin: germline.
Comment: The p.H270N variant (also known as c.808C>A), located in coding exon 1 of the MC1R gene, results from a C to A substitution at nucleotide position 808. The histidine at codon 270 is replaced by asparagine, an amino acid with similar properties. This amino acid position is conserved. In addition, this alteration is predicted to be tolerated by in silico analysis. Based on the available evidence, the clinical significance of this variant remains unclear.

NM_002386.4(MC1R):c.808C>A (p.His270Asn)

Gene: MC1R (melanocortin 1 receptor; plus strand). Cytogenetic location: 16q24.3.
Variant type: single nucleotide variant.
Coding change: c.808C>A on transcript NM_002386.4 (MANE Select); coding-DNA position 808, C replaced by A.
Protein change: p.His270Asn; replaces histidine 270 with asparagine.
Molecular consequence: missense variant.
Genome position (GRCh38, 1-based): chr16:89,920,066, C>A. VCF-style: chr16-89920066-C-A. GRCh37 (hg19) VCF-style: chr16-89986474-C-A.
Other names: short protein forms H270N.
Identifiers: ClinVar variation 3871077 (VCV003871077.1).